The following is an entry in ClinVar:

ClinVar aggregate classification (germline): Pathogenic (1 of 4 stars; one submission).

Conditions:
Retinoblastoma (RB1). Also called: RETINOBLASTOMA, SOMATIC. Identifiers: Orphanet 790, MedGen C0035335, MeSH D012175, MONDO:0008380, OMIM 180200, HP:0009919. Disease mechanism: loss of function. Inheritance: Both sporadic and heritable forms are tested..

Submission:

Labcorp Genetics (formerly Invitae), Labcorp
Classification: Pathogenic for Retinoblastoma. Last evaluated: 2022-06-22. Review status: criteria provided, single submitter. Criteria: Invitae Variant Classification Sherloc (09022015). Collection method: clinical testing. Allele origin: germline.
Comment: This variant is not present in population databases (gnomAD no frequency). This sequence change creates a premature translational stop signal (p.Ala525Serfs*3) in the RB1 gene. It is expected to result in an absent or disrupted protein product. Loss-of-function variants in RB1 are known to be pathogenic (PMID: 17096365). This variant has not been reported in the literature in individuals affected with RB1-related conditions. For these reasons, this variant has been classified as Pathogenic.

Literature cited by the submitters: PubMed 17096365.

NM_000321.3(RB1):c.1572dup (p.Ala525fs)

Gene: RB1 (RB transcriptional corepressor 1; plus strand). Cytogenetic location: 13q14.2.
Variant type: Duplication.
Coding change: c.1572dup on transcript NM_000321.3 (MANE Select); coding-DNA position 1572, one base duplicated (A; older notation c.1572dupA).
Protein change: p.Ala525fs; shifts the reading frame from alanine 525.
Molecular consequence: frameshift variant.
Genome position (GRCh38, 1-based): chr13:48,381,320, A duplicated; the last of 4 consecutive A bases (chr13:48,381,317-48,381,320); duplicating any one gives the same sequence. VCF-style (leftmost placement, unchanged base first): chr13-48381316-T-TA. GRCh37 (hg19) VCF-style: chr13-48955452-T-TA.
Other names: c.1572dup, p.Ala525Serfs (NM_001407165.1, NM_001407166.1); short protein forms A525fs.
Identifiers: ClinVar variation 2009015 (VCV002009015.4), dbSNP rs2138145163, ClinGen allele CA2580087605.